The following is an entry in ClinVar:

ClinVar aggregate classification (germline): Uncertain significance. Review status: criteria provided, multiple submitters, no conflicts (2 of 4 stars). 3 submissions from 3 submitters: Uncertain significance (3). Last evaluated 2025-03-07.

Conditions:
Hereditary pheochromocytoma and paraganglioma. Also called: Hereditary pheochromocytoma-paraganglioma; Hereditary Paraganglioma-Pheochromocytoma Syndromes; Hereditary paragangliomas and pheochromocytomas. Identifiers: Orphanet 29072, MedGen C4274332, MONDO:0017366.
Hereditary cancer-predisposing syndrome. Also called: Hereditary Cancer Syndrome; Hereditary neoplastic syndrome; Neoplastic Syndromes, Hereditary; Tumor predisposition. Identifiers: Orphanet 140162, MedGen C0027672, MeSH D009386, MONDO:0015356.
Pheochromocytoma. Also called: MAX-Related Hereditary Paraganglioma-Pheochromocytoma Syndrome. Identifiers: Orphanet 29072, MedGen C0031511, MONDO:0008233, OMIM 171300, HP:0002666.
Pheochromocytoma/paraganglioma syndrome 4. Also called: CAROTID BODY TUMORS AND MULTIPLE EXTRAADRENAL PHEOCHROMOCYTOMAS; SDHB-Related Hereditary Paraganglioma-Pheochromocytoma Syndrome (Paragangliomas 4); SDHB-Related Hereditary Paraganglioma-Pheochromocytoma Syndrome; PARAGANGLIOMA, FAMILIAL MALIGNANT; PARAGANGLIOMAS, HEREDITARY EXTRAADRENAL; PHEOCHROMOCYTOMA, FAMILIAL EXTRAADRENAL. Identifiers: Orphanet 29072, MedGen C1861848, MONDO:0007273, OMIM 115310.
Gastrointestinal stromal tumor. Also called: Gastrointestinal stroma tumor; Gastrointestinal stromal tumor, somatic. Identifiers: Orphanet 44890, MedGen C0238198, MeSH D046152, MONDO:0011719, OMIM 606764, HP:0100723.

Submissions (3):

Ambry Genetics
Classification: Uncertain significance for Hereditary cancer-predisposing syndrome. Last evaluated: 2025-03-07. Review status: criteria provided, single submitter. Criteria: Ambry Variant Classification Scheme 2023. Collection method: clinical testing. Allele origin: germline.
Comment: The p.T245A variant (also known as c.733A>G), located in coding exon 7 of the SDHB gene, results from an A to G substitution at nucleotide position 733. The threonine at codon 245 is replaced by alanine, an amino acid with similar properties. This amino acid position is highly conserved in available vertebrate species. In addition, this alteration is predicted to be deleterious by in silico analysis. Based on the available evidence, the clinical significance of this variant remains unclear.

All of Us Research Program, National Institutes of Health
Classification: Uncertain significance for Hereditary pheochromocytoma and paraganglioma. Last evaluated: 2023-12-18. Review status: criteria provided, single submitter. Criteria: ACMG Guidelines, 2015. Collection method: clinical testing. Allele origin: germline. Inheritance: Autosomal dominant inheritance. Observed: 1 variant allele, 1 heterozygote.
Comment: This missense variant replaces threonine with alanine at codon 245 of the SDHB protein. Computational prediction suggests that this variant may have deleterious impact on protein structure and function (internally defined REVEL score threshold >= 0.7, PMID: 27666373). To our knowledge, functional studies have not been reported for this variant. This variant has not been reported in individuals affected with SDHB-related disorders in the literature. This variant has not been identified in the general population by the Genome Aggregation Database (gnomAD). The available evidence is insufficient to determine the role of this variant in disease conclusively. Therefore, this variant is classified as a Variant of Uncertain Significance.

This study involves interpretation of variants in research participants for the purpose of population health screening. Participant phenotype was not available at the time of variant classification. Additional details can be found in publication PMID: 35346344, PMCID: PMC8962531

Labcorp Genetics (formerly Invitae), Labcorp
Classification: Uncertain significance for Gastrointestinal stromal tumor; Pheochromocytoma/paraganglioma syndrome 4; Pheochromocytoma. Last evaluated: 2022-04-08. Review status: criteria provided, single submitter. Criteria: Invitae Variant Classification Sherloc (09022015). Collection method: clinical testing. Allele origin: germline.
Comment: This variant is not present in population databases (gnomAD no frequency). In summary, the available evidence is currently insufficient to determine the role of this variant in disease. Therefore, it has been classified as a Variant of Uncertain Significance. Advanced modeling of protein sequence and biophysical properties (such as structural, functional, and spatial information, amino acid conservation, physicochemical variation, residue mobility, and thermodynamic stability) performed at Invitae indicates that this missense variant is expected to disrupt SDHB protein function. This variant has not been reported in the literature in individuals affected with SDHB-related conditions. This sequence change replaces threonine, which is neutral and polar, with alanine, which is neutral and non-polar, at codon 245 of the SDHB protein (p.Thr245Ala).

NM_003000.3(SDHB):c.733A>G (p.Thr245Ala)

Gene: SDHB (succinate dehydrogenase complex iron sulfur subunit B; minus strand). Cytogenetic location: 1p36.13.
Variant type: single nucleotide variant.
Coding change: c.733A>G on transcript NM_003000.3 (MANE Select); coding-DNA position 733, A replaced by G.
Protein change: p.Thr245Ala; replaces threonine 245 with alanine.
Molecular consequence: missense variant.
Genome position (GRCh38, 1-based): chr1:17,022,640, T>C on the plus strand (A>G on the coding strand, the complement: SDHB is on the minus strand). VCF-style: chr1-17022640-T-C. GRCh37 (hg19) VCF-style: chr1-17349135-T-C.
Other names: c.679A>G, p.Thr227Ala (NM_001407361.1); short protein forms T227A, T245A.
Identifiers: ClinVar variation 2123099 (VCV002123099.8), dbSNP rs2525003828, ClinGen allele CA338270139.